The following is an entry in ClinVar:

ClinVar aggregate classification (germline): Conflicting classifications of pathogenicity. Review status: criteria provided, conflicting classifications (1 of 4 stars). 2 submissions from 2 submitters: Likely pathogenic (1); Uncertain significance (1). Last evaluated 2025-12-03.

Conditions:
Familial hypoparathyroidism. Also called: Familial isolated hypoparathyroidism. Identifiers: Orphanet 2238, MedGen C1832648, MONDO:0016390.

gnomAD v4.1: 3 of 1,613,154 alleles (0.00019%); highest among the groups gnomAD compares: Non-Finnish European, 0.00025%; no homozygotes.

Submissions (2):

Cambridge Genomics Laboratory, East Genomic Laboratory Hub, NHS Genomic Medicine Service
Classification: Likely pathogenic for Familial hypoparathyroidism. Last evaluated: 2025-12-03. Review status: criteria provided, single submitter. Criteria: ACGS Best Practice Guidelines for Variant Classification in Rare Disease 2020. Collection method: clinical testing. Allele origin: germline. Affected: yes.
Comment: PS4_Moderate,PM1,PM2

Blueprint Genetics
Classification: Uncertain significance. Last evaluated: 2022-11-01. Review status: criteria provided, single submitter. Criteria: ACMG Guidelines, 2015. Collection method: clinical testing. Allele origin: germline.

NM_002067.5(GNA11):c.535G>A (p.Val179Met)

Gene: GNA11 (G protein subunit alpha 11; plus strand). Cytogenetic location: 19p13.3.
Variant type: single nucleotide variant.
Coding change: c.535G>A on transcript NM_002067.5 (MANE Select); coding-DNA position 535, G replaced by A.
Protein change: p.Val179Met; replaces valine 179 with methionine.
Molecular consequence: missense variant.
Genome position (GRCh38, 1-based): chr19:3,115,002, G>A. VCF-style: chr19-3115002-G-A. GRCh37 (hg19) VCF-style: chr19-3115000-G-A.
Other names: short protein forms V179M.
Identifiers: ClinVar variation 4540628 (VCV004540628.2).